The following is an entry in ClinVar:

NM_000174.5(GP9):c.212T>G (p.Phe71Cys)

Gene: GP9 (glycoprotein IX platelet; plus strand). Cytogenetic location: 3q21.3.
Variant type: single nucleotide variant.
Coding change: c.212T>G on transcript NM_000174.5 (MANE Select); coding-DNA position 212, T replaced by G.
Protein change: p.Phe71Cys; replaces phenylalanine 71 with cysteine.
Molecular consequence: missense variant.
Genome position (GRCh38, 1-based): chr3:129,061,951, T>G. VCF-style: chr3-129061951-T-G. GRCh37 (hg19) VCF-style: chr3-128780794-T-G.
Other names: NM_000174.5(GP9):c.212T>G; p.Phe71Cys; c.212T>G (NM_000174.4); short protein forms F71C.
Identifiers: ClinVar variation 1491487 (VCV001491487.11), dbSNP rs121918037, ClinGen allele CA2602666.

ClinVar aggregate classification (germline): Likely pathogenic. Review status: reviewed by expert panel (3 of 4 stars). 4 submissions from 4 submitters: Likely pathogenic (1). 3 of the submissions do not count toward it. Last evaluated 2026-01-20.

Conditions:
Bernard Soulier syndrome (BSS). Also called: BLEEDING DISORDER, PLATELET-TYPE, 1; GLYCOPROTEIN Ib, PLATELET, DEFICIENCY OF; PLATELET GLYCOPROTEIN Ib DEFICIENCY; VON WILLEBRAND FACTOR RECEPTOR DEFICIENCY; Giant platelet syndrome; Hemorrhagiparous thrombocytic dystrophy. Identifiers: Orphanet 274, MedGen C0005129, MeSH D001606, MONDO:0009276, OMIM 231200.

Allele frequency attached by ClinVar (database versions not stated): gnomAD exomes below 0.00001; ExAC 0.00001.
gnomAD v4.1: 1 of 1,613,888 alleles (0.000062%); highest among the groups gnomAD compares: Non-Finnish European, 0.000085%; no homozygotes.

Submissions (4):

ClinGen Platelet Disorders Variant Curation Expert Panel, ClinGen
Classification: Likely pathogenic for Bernard Soulier syndrome. Last evaluated: 2026-01-20. Review status: reviewed by expert panel. Criteria: ClinGen Platelet ACMG Specifications GP9 V1.0.0. Collection method: curation. Allele origin: germline. Inheritance: Autosomal recessive inheritance.
Comment: The c.212T>G variant in GP9 is a missense variant predicted to cause substitution of Phenylalanine by Cysteine at amino acid 71 (p.Phe71Cys). At least one patient (Patient BS-23 in PMID:21699652) with this variant had aggregation absent for ristocetin and present for all other agonists, as well as less than 10% expression of GPIba measured by flow cytometry, which is highly specific for Bernard-Soulier syndrome. Additionally, the patient had excessive mucocutaneous bleeding which is consistent with Bernard-Soulier syndrome (PP4). This variant has been detected in at least three unrelated probands with Bernard-Soulier syndrome. Two of these individuals were homozygous for the variant (PMID:21699652, 1 PM3 point). One individual was compound heterozygous for this variant and the NM_000174.5(GP9):c.182A>G (p.Asn61Ser) which has been classified as Pathogenic by the PD VCEP. (1 PM3 point). These variants were confirmed in trans by family testing (2 PM3 points, PM3_Strong). The Grpmax filtering allele frequency in gnomaDv4.1 is 0 (based on 1/1179890 alleles) in the European (non-Finnish) population, which is below the <0.0000329 threshold for PM2_supporting. In summary, this variant meets the criteria to be classified as Likely Pathogenic for autosomal recessive Bernard-Soulier syndrome based on the ACMG/AMP criteria applied, as specified by the ClinGen PD VCEP: PP4, PM3, PM2_Supporting, PM3_Strong (VCEP specifications version 1).

Women's Health and Genetics/Laboratory Corporation of America, LabCorp
Classification: Pathogenic for Bernard Soulier syndrome. Last evaluated: 2025-05-08. Review status: criteria provided, single submitter. Criteria: LabCorp Variant Classification Summary - May 2015. Collection method: clinical testing. Allele origin: germline. Not counted in ClinVar's aggregate classification.
Comment: Variant summary: GP9 c.212T>G (p.Phe71Cys) results in a non-conservative amino acid change in the encoded protein sequence. Algorithms developed to predict the effect of missense changes on protein structure and function all suggest that this variant is likely to be disruptive. The variant allele was found at a frequency of 4e-06 in 248306 control chromosomes. c.212T>G has been observed in individual(s) affected with Bernard Soulier Syndrome (Sumitha_2011). These data indicate that the variant is likely to be associated with disease. A different variant affecting the same codon has been classified as pathogenic by our lab (c.212T>C, p.Phe71Ser), supporting the critical relevance of codon 71 to GP9 protein function. The following publication has been ascertained in the context of this evaluation (PMID: 21699652). ClinVar contains an entry for this variant (Variation ID: 1491487). Based on the evidence outlined above, the variant was classified as pathogenic.

GeneDx
Classification: Likely pathogenic. Last evaluated: 2025-01-08. Review status: criteria provided, single submitter. Criteria: GeneDx Variant Classification Process June 2021. Collection method: clinical testing. Allele origin: germline. Affected: yes. Not counted in ClinVar's aggregate classification.
Comment: Not observed at significant frequency in large population cohorts (gnomAD); In silico analysis supports that this missense variant has a deleterious effect on protein structure/function; This variant is associated with the following publications: (PMID: 28960434, 21699652, 24934643, 9163595, 25539746, 29636940)

Labcorp Genetics (formerly Invitae), Labcorp
Classification: Likely pathogenic. Last evaluated: 2021-05-25. Review status: criteria provided, single submitter. Criteria: Invitae Variant Classification Sherloc (09022015). Collection method: clinical testing. Allele origin: germline. Not counted in ClinVar's aggregate classification.
Comment: In summary, the currently available evidence indicates that the variant is pathogenic, but additional data are needed to prove that conclusively. Therefore, this variant has been classified as Likely Pathogenic. This variant disrupts the p.Phe71 amino acid residue in GP9. Other variant(s) that disrupt this residue have been determined to be pathogenic (PMID: 21699652, 9163595, 29636940, Invitae). This suggests that this residue is clinically significant, and that variants that disrupt this residue are likely to be disease-causing. Algorithms developed to predict the effect of missense changes on protein structure and function (SIFT, PolyPhen-2, Align-GVGD) all suggest that this variant is likely to be disruptive, but these predictions have not been confirmed by published functional studies and their clinical significance is uncertain. This variant has been observed in individual(s) with Bernard-Soulier syndrome (PMID: 21699652). This variant is present in population databases (rs121918037, ExAC 0.002%). This sequence change replaces phenylalanine with cysteine at codon 71 of the GP9 protein (p.Phe71Cys). The phenylalanine residue is highly conserved and there is a large physicochemical difference between phenylalanine and cysteine.

Literature cited by the submitters: PubMed 21699652 (cited by Women's Health and Genetics/Laboratory Corporation of America, LabCorp and Labcorp Genetics (formerly Invitae), Labcorp); PubMed 9163595 (cited by Labcorp Genetics (formerly Invitae), Labcorp); PubMed 29636940 (cited by Labcorp Genetics (formerly Invitae), Labcorp).